The following is an entry in ClinVar:

ClinVar aggregate classification (germline): Uncertain significance (1 of 4 stars; one submission).

Submission:

GeneDx
Classification: Uncertain significance. Last evaluated: 2024-12-20. Review status: criteria provided, single submitter. Criteria: GeneDx Variant Classification Process June 2021. Collection method: clinical testing. Allele origin: germline. Affected: yes.
Comment: Not observed at significant frequency in large population cohorts (gnomAD); In silico analysis supports that this missense variant has a deleterious effect on protein structure/function; Has not been previously published as pathogenic or benign to our knowledge; Also known as 10022G>C

NM_000059.4(BRCA2):c.9794G>C (p.Cys3265Ser)

Gene: BRCA2 (BRCA2 DNA repair associated; plus strand). Cytogenetic location: 13q13.1.
Variant type: single nucleotide variant.
Coding change: c.9794G>C on transcript NM_000059.4 (MANE Select); coding-DNA position 9794, G replaced by C.
Protein change: p.Cys3265Ser; replaces cysteine 3265 with serine.
Molecular consequence: missense variant. On other transcripts: non-coding transcript variant (1).
Genome position (GRCh38, 1-based): chr13:32,398,307, G>C. VCF-style: chr13-32398307-G-C. GRCh37 (hg19) VCF-style: chr13-32972444-G-C.
Other names: c.9698G>C, p.Cys3233Ser (NM_001406719.1); c.9743G>C, p.Cys3248Ser (NM_001406720.1); c.4862G>C, p.Cys1621Ser (NM_001406721.1); c.3377G>C, p.Cys1126Ser (NM_001406722.1); c.9794G>C, p.Cys3265Ser (NM_001432077.1); short protein forms C1126S, C1621S, C3233S, C3248S, C3265S.
Identifiers: ClinVar variation 3906281 (VCV003906281.1).